The following is an entry in ClinVar:

ClinVar aggregate classification (germline): Uncertain significance. Review status: criteria provided, multiple submitters, no conflicts (2 of 4 stars). 2 submissions from 2 submitters: Uncertain significance (2). Last evaluated 2023-11-23.

Conditions:
Familial thoracic aortic aneurysm and aortic dissection (TAAD). Also called: Thoracic aortic aneurysms and dissections. Identifiers: Orphanet 91387, MedGen C4707243, MONDO:0019625.
Aortic aneurysm, familial thoracic 6 (AAT6). Also called: FAMILIAL THORACIC AORTIC ANEURYSM WITH LIVEDO RETICULARIS AND IRIS FLOCCULI. Identifiers: MedGen C2673186, MONDO:0012730, OMIM 611788.

Submissions (2):

Ambry Genetics
Classification: Uncertain significance for Familial thoracic aortic aneurysm and aortic dissection. Last evaluated: 2023-11-23. Review status: criteria provided, single submitter. Criteria: Ambry Variant Classification Scheme 2023. Collection method: clinical testing. Allele origin: germline.
Comment: The p.I250V variant (also known as c.748A>G), located in coding exon 6 of the ACTA2 gene, results from an A to G substitution at nucleotide position 748. The isoleucine at codon 250 is replaced by valine, an amino acid with highly similar properties. This amino acid position is conserved. In addition, the in silico prediction for this alteration is inconclusive. Since supporting evidence is limited at this time, the clinical significance of this alteration remains unclear.

Labcorp Genetics (formerly Invitae), Labcorp
Classification: Uncertain significance for Aortic aneurysm, familial thoracic 6. Last evaluated: 2022-10-26. Review status: criteria provided, single submitter. Criteria: Invitae Variant Classification Sherloc (09022015). Collection method: clinical testing. Allele origin: germline.
Comment: In summary, the available evidence is currently insufficient to determine the role of this variant in disease. Therefore, it has been classified as a Variant of Uncertain Significance. Advanced modeling of protein sequence and biophysical properties (such as structural, functional, and spatial information, amino acid conservation, physicochemical variation, residue mobility, and thermodynamic stability) performed at Invitae indicates that this missense variant is not expected to disrupt ACTA2 protein function. This variant has not been reported in the literature in individuals affected with ACTA2-related conditions. This variant is not present in population databases (gnomAD no frequency). This sequence change replaces isoleucine, which is neutral and non-polar, with valine, which is neutral and non-polar, at codon 250 of the ACTA2 protein (p.Ile250Val).

NM_001613.4(ACTA2):c.748A>G (p.Ile250Val)

Genes: ACTA2 (actin alpha 2, smooth muscle; minus strand), ACTA2-AS1 (ACTA2 antisense RNA 1; plus strand). Cytogenetic location: 10q23.31.
Variant type: single nucleotide variant.
Coding change: c.748A>G on transcript NM_001613.4 (MANE Select); coding-DNA position 748, A replaced by G.
Protein change: p.Ile250Val; replaces isoleucine 250 with valine.
Molecular consequence: missense variant. On other transcripts: non-coding transcript variant (1).
Genome position (GRCh38, 1-based): chr10:88,939,567, T>C on the plus strand (A>G on the coding strand, the complement: ACTA2 is on the minus strand). VCF-style: chr10-88939567-T-C. GRCh37 (hg19) VCF-style: chr10-90699324-T-C.
Other names: c.748A>G, p.Ile250Val (NM_001141945.3, NM_001320855.2, NM_001406462.1 and 2 more transcripts); c.637A>G, p.Ile213Val (NM_001406466.1); c.619A>G, p.Ile207Val (NM_001406467.1, NM_001406468.1, NM_001406469.1); short protein forms I250V, I207V, I213V.
Identifiers: ClinVar variation 2166039 (VCV002166039.3), dbSNP rs755463167, ClinGen allele CA377511262.
Genomic context (GRCh38, chr10:88,939,567, plus strand): 5'-CGATGAAGGATGGCTGGAACAGGGTCTCTGGGCAGCGGAAACGTTCATTTCCGATGGTGA[T>C]CACTTGCCCATCAGGCAACTCGTAACTCTTCTCAAGGGAGGATGAGGATGCGGCAGTGGC-3'
Protein context (NP_001604.1, residues 240-260): KSYELPDGQV[Ile250Val]TIGNERFRCP